The following is an entry in ClinVar:

ClinVar aggregate classification (germline): Likely pathogenic (1 of 4 stars; one submission).

Conditions:
Primary ciliary dyskinesia. Also called: Ciliary dyskinesia. Identifiers: Orphanet 244, MedGen C0008780, MONDO:0016575, HP:0012265.

Submission:

Labcorp Genetics (formerly Invitae), Labcorp
Classification: Likely pathogenic for Primary ciliary dyskinesia. Last evaluated: 2022-06-18. Review status: criteria provided, single submitter. Criteria: Invitae Variant Classification Sherloc (09022015). Collection method: clinical testing. Allele origin: germline.
Comment: This sequence change affects an acceptor splice site in intron 5 of the RSPH1 gene. It is expected to disrupt RNA splicing. Variants that disrupt the donor or acceptor splice site typically lead to a loss of protein function (PMID: 16199547), and loss-of-function variants in RSPH1 are known to be pathogenic (PMID: 23993197). This variant is not present in population databases (gnomAD no frequency). This variant has not been reported in the literature in individuals affected with RSPH1-related conditions. Algorithms developed to predict the effect of sequence changes on RNA splicing suggest that this variant may disrupt the consensus splice site. In summary, the currently available evidence indicates that the variant is pathogenic, but additional data are needed to prove that conclusively. Therefore, this variant has been classified as Likely Pathogenic.

Literature cited by the submitters: PubMed 16199547; PubMed 23993197.

NM_080860.4(RSPH1):c.502-1G>A

Gene: RSPH1 (radial spoke head component 1; minus strand). Cytogenetic location: 21q22.3.
Variant type: single nucleotide variant.
Coding change: c.502-1G>A on transcript NM_080860.4 (MANE Select); the canonical splice acceptor site of the intron before coding-DNA position 502, G replaced by A.
Molecular consequence: splice acceptor variant.
Genome position (GRCh38, 1-based): chr21:42,482,709, C>T on the plus strand (G>A on the coding strand, the complement: RSPH1 is on the minus strand). VCF-style: chr21-42482709-C-T. GRCh37 (hg19) VCF-style: chr21-43902819-C-T.
Other names: c.388-1G>A (NM_001286506.2).
Identifiers: ClinVar variation 2004962 (VCV002004962.4), dbSNP rs2517340869, ClinGen allele CA410364837.
Genomic context (GRCh38, chr21:42,482,709, plus strand): 5'-ACGATATTCACCATGTTGTTCACACCCAACATCAAATACATACTTTCCAGGGCCAACAGG[C>T]TACGAGCAAAGAGAAACCATTCTTAAGTGTCAACACCCAGCAGAAAATACAAAATACAAA-3'